The following is an entry in ClinVar:

ClinVar aggregate classification (germline): Uncertain significance. Review status: criteria provided, multiple submitters, no conflicts (2 of 4 stars). 2 submissions from 2 submitters: Uncertain significance (2). Last evaluated 2025-12-10.

Conditions:
Inborn genetic diseases. Identifiers: MedGen C0950123, MeSH D030342.

Submissions (2):

Labcorp Genetics (formerly Invitae), Labcorp
Classification: Uncertain significance. Last evaluated: 2025-12-10. Review status: criteria provided, single submitter. Criteria: Invitae Variant Classification Sherloc (09022015). Collection method: clinical testing. Allele origin: germline.
Comment: This sequence change replaces phenylalanine, which is neutral and non-polar, with leucine, which is neutral and non-polar, at codon 142 of the ATR protein (p.Phe142Leu). This variant is not present in population databases (gnomAD no frequency). This variant has not been reported in the literature in individuals affected with ATR-related conditions. ClinVar contains an entry for this variant (Variation ID: 1355545). An algorithm developed to predict the effect of missense changes on protein structure and function outputs the following: PolyPhen-2: "Benign". The leucine amino acid residue is found in multiple mammalian species, which suggests that this missense change does not adversely affect protein function. In summary, the available evidence is currently insufficient to determine the role of this variant in disease. Therefore, it has been classified as a Variant of Uncertain Significance.

Ambry Genetics
Classification: Uncertain significance for Inborn genetic diseases. Last evaluated: 2024-09-21. Review status: criteria provided, single submitter. Criteria: Ambry Variant Classification Scheme 2023. Collection method: clinical testing. Allele origin: germline.
Comment: The p.F142L variant (also known as c.426T>G), located in coding exon 4 of the ATR gene, results from a T to G substitution at nucleotide position 426. The phenylalanine at codon 142 is replaced by leucine, an amino acid with highly similar properties. This amino acid position is conserved. In addition, this alteration is predicted to be tolerated by in silico analysis. Based on the available evidence, the clinical significance of this variant remains unclear.

NM_001184.4(ATR):c.426T>G (p.Phe142Leu)

Gene: ATR (ATR checkpoint kinase; minus strand). Cytogenetic location: 3q23.
Variant type: single nucleotide variant.
Coding change: c.426T>G on transcript NM_001184.4 (MANE Select); coding-DNA position 426, T replaced by G.
Protein change: p.Phe142Leu; replaces phenylalanine 142 with leucine.
Molecular consequence: missense variant.
Genome position (GRCh38, 1-based): chr3:142,562,976, A>C on the plus strand (T>G on the coding strand, the complement: ATR is on the minus strand). VCF-style: chr3-142562976-A-C. GRCh37 (hg19) VCF-style: chr3-142281818-A-C.
Other names: c.426T>G, p.Phe142Leu (NM_001354579.2); c.426T>G (NM_001184.3); short protein forms F142L.
Identifiers: ClinVar variation 1355545 (VCV001355545.9), dbSNP rs2108488609, ClinGen allele CA354827021.
Genomic context (GRCh38, chr3:142,562,976, plus strand): 5'-TCTTCTATGGAGGTAAACCAAGTCTTCAAAAAGTTGTAATAATTCTTTTGTGAGTACCCC[A>C]AAAATAGCAGGACTCTTGCTTTTAAAAAGAAATAATAATGAACAGATGACTTCACAGATT-3'
Protein context (NP_001175.2, residues 132-152): FLFKSKSPAI[Phe142Leu]GVLTKELLQL